The following is an entry in ClinVar:

ClinVar aggregate classification (germline): Uncertain significance (1 of 4 stars; one submission).

Conditions:
Inborn genetic diseases. Identifiers: MedGen C0950123, MeSH D030342.

Allele frequency attached by ClinVar (database versions not stated): gnomAD exomes below 0.00001.
gnomAD v4.1: 1 of 1,614,164 alleles (0.000062%); highest among the groups gnomAD compares: South Asian, 0.0011%; no homozygotes.

Submission:

Ambry Genetics
Classification: Uncertain significance for Inborn genetic diseases. Last evaluated: 2022-03-13. Review status: criteria provided, single submitter. Criteria: Ambry Variant Classification Scheme 2023. Collection method: clinical testing. Allele origin: germline.
Comment: The p.I100V variant (also known as c.298A>G), located in coding exon 3 of the RAD51 gene, results from an A to G substitution at nucleotide position 298. The isoleucine at codon 100 is replaced by valine, an amino acid with highly similar properties. This amino acid position is conserved. In addition, this alteration is predicted to be tolerated by in silico analysis. Since supporting evidence is limited at this time, the clinical significance of this alteration remains unclear.

NM_002875.5(RAD51):c.298A>G (p.Ile100Val)

Gene: RAD51 (RAD51 recombinase; plus strand). Cytogenetic location: 15q15.1.
Variant type: single nucleotide variant.
Coding change: c.298A>G on transcript NM_002875.5 (MANE Select); coding-DNA position 298, A replaced by G.
Protein change: p.Ile100Val; replaces isoleucine 100 with valine.
Molecular consequence: missense variant. On other transcripts: intron variant (2).
Genome position (GRCh38, 1-based): chr15:40,706,249, A>G. VCF-style: chr15-40706249-A-G. GRCh37 (hg19) VCF-style: chr15-40998447-A-G.
Other names: c.298A>G, p.Ile100Val (NM_001164270.2); c.347-2776A>G (NM_133487.4, NM_001164269.2); short protein forms I100V.
Identifiers: ClinVar variation 1798489 (VCV001798489.2), dbSNP rs2504436702, ClinGen allele CA391749818.